The following is an entry in ClinVar:

NM_001270508.2(TNFAIP3):c.718G>A (p.Ala240Thr)

Genes: TNFAIP3 (TNF alpha induced protein 3; plus strand), LOC126859807 (MED14-independent group 3 enhancer GRCh37_chr6:138196296-138197495; plus strand). Cytogenetic location: 6q23.3.
Variant type: single nucleotide variant.
Coding change: c.718G>A on transcript NM_001270508.2 (MANE Select); coding-DNA position 718, G replaced by A.
Protein change: p.Ala240Thr; replaces alanine 240 with threonine.
Molecular consequence: missense variant.
Genome position (GRCh38, 1-based): chr6:137,876,079, G>A. VCF-style: chr6-137876079-G-A. GRCh37 (hg19) VCF-style: chr6-138197216-G-A.
Other names: c.718G>A, p.Ala240Thr (NM_001270507.2, NM_006290.4); short protein forms A240T.
Identifiers: ClinVar variation 4823249 (VCV004823249.4).

ClinVar aggregate classification (germline): Uncertain significance (1 of 4 stars; one submission).

gnomAD v4.1: 5 of 1,614,024 alleles (0.00031%); highest among the groups gnomAD compares: South Asian, 0.0044%; no homozygotes.

Submission:

CeGaT Center for Human Genetics Tuebingen
Classification: Uncertain significance. Last evaluated: 2026-06-01. Review status: criteria provided, single submitter. Criteria: CeGaT Center For Human Genetics Tuebingen Variant Classification Criteria Version 2. Collection method: clinical testing. Allele origin: germline. Affected: yes. Observed: 1 variant allele.
Comment: TNFAIP3: PM2:Supporting, BP4